The following is an entry in ClinVar:

ClinVar aggregate classification (germline): Uncertain significance (1 of 4 stars; one submission).

Submission:

GeneDx
Classification: Uncertain significance. Last evaluated: 2022-11-07. Review status: criteria provided, single submitter. Criteria: GeneDx Variant Classification Process June 2021. Collection method: clinical testing. Allele origin: germline. Affected: yes.
Comment: Not observed at significant frequency in large population cohorts (gnomAD); In silico analysis supports that this missense variant does not alter protein structure/function; Has not been previously published as pathogenic or benign to our knowledge

NM_000193.4(SHH):c.943G>A (p.Val315Met)

Gene: SHH (sonic hedgehog signaling molecule; minus strand). Cytogenetic location: 7q36.3.
Variant type: single nucleotide variant.
Coding change: c.943G>A on transcript NM_000193.4 (MANE Select); coding-DNA position 943, G replaced by A.
Protein change: p.Val315Met; replaces valine 315 with methionine.
Molecular consequence: missense variant. On other transcripts: intron variant (1).
Genome position (GRCh38, 1-based): chr7:155,803,346, C>T on the plus strand (G>A on the coding strand, the complement: SHH is on the minus strand). VCF-style: chr7-155803346-C-T. GRCh37 (hg19) VCF-style: chr7-155596040-C-T.
Other names: c.301+2950G>A (NM_001310462.2); short protein forms V315M.
Identifiers: ClinVar variation 2501379 (VCV002501379.1), dbSNP rs2117127148, ClinGen allele CA370145598.
Genomic context (GRCh38, chr7:155,803,346, plus strand): 5'-CGCTGTGCACAGCGGCGGGCAGGAGCCGGCGGTCCCCGTCACGCTCGGCCACCACGTACA[C>T]GCGCTGGCCCGGGCGCACGCGGCTGGCGAACAGCGCCCGAGGCCCCAGTGCGCCCCCGGA-3'
Protein context (NP_000184.1, residues 305-325): FASRVRPGQR[Val315Met]YVVAERDGDR